The following is an entry in ClinVar:

NM_004431.5(EPHA2):c.991G>A (p.Ala331Thr)

Gene: EPHA2 (EPH receptor A2; minus strand). Cytogenetic location: 1p36.13.
Variant type: single nucleotide variant.
Coding change: c.991G>A on transcript NM_004431.5 (MANE Select); coding-DNA position 991, G replaced by A.
Protein change: p.Ala331Thr; replaces alanine 331 with threonine.
Molecular consequence: missense variant.
Genome position (GRCh38, 1-based): chr1:16,138,174, C>T on the plus strand (G>A on the coding strand, the complement: EPHA2 is on the minus strand). VCF-style: chr1-16138174-C-T. GRCh37 (hg19) VCF-style: chr1-16464669-C-T.
Other names: c.829G>A, p.Ala277Thr (NM_001329090.2); short protein forms A277T, A331T.
Identifiers: ClinVar variation 4711374 (VCV004711374.1).

ClinVar aggregate classification (germline): Uncertain significance (1 of 4 stars; one submission).

Conditions:
Cataract 6 multiple types. Also called: CATARACT, AGE-RELATED CORTICAL, 2; CATARACT 6, POSTERIOR POLAR; CATARACT 6, CONGENITAL TOTAL. Identifiers: Orphanet 91492, MedGen C1861825, MONDO:0007288, OMIM 116600.

gnomAD v4.1: 30 of 1,609,214 alleles (0.0019%); highest among the groups gnomAD compares: Middle Eastern, 0.016%; no homozygotes.

Submission:

Labcorp Genetics (formerly Invitae), Labcorp
Classification: Uncertain significance for Cataract 6 multiple types. Last evaluated: 2025-12-10. Review status: criteria provided, single submitter. Criteria: Invitae Variant Classification Sherloc (09022015). Collection method: clinical testing. Allele origin: germline.
Comment: This sequence change replaces alanine, which is neutral and non-polar, with threonine, which is neutral and polar, at codon 331 of the EPHA2 protein (p.Ala331Thr). This variant is present in population databases (rs746422722, gnomAD 0.01%). This variant has not been reported in the literature in individuals affected with EPHA2-related conditions. Invitae Evidence Modeling of protein sequence and biophysical properties (such as structural, functional, and spatial information, amino acid conservation, physicochemical variation, residue mobility, and thermodynamic stability) indicates that this missense variant is expected to disrupt EPHA2 protein function with a positive predictive value of 80%. In summary, the available evidence is currently insufficient to determine the role of this variant in disease. Therefore, it has been classified as a Variant of Uncertain Significance.